The following is an entry in ClinVar:

NM_005633.4(SOS1):c.1203-17C>G

Gene: SOS1 (SOS Ras/Rac guanine nucleotide exchange factor 1; minus strand). Cytogenetic location: 2p22.1.
Variant type: single nucleotide variant.
Coding change: c.1203-17C>G on transcript NM_005633.4 (MANE Select); 17 bases into the intron before coding-DNA position 1203, C replaced by G.
Molecular consequence: intron variant.
Genome position (GRCh38, 1-based): chr2:39,023,242, G>C on the plus strand (C>G on the coding strand, the complement: SOS1 is on the minus strand). VCF-style: chr2-39023242-G-C. GRCh37 (hg19) VCF-style: chr2-39250383-G-C.
Other names: c.1182-17C>G (NM_001382394.1); c.1203-17C>G (NM_001382395.1).
Identifiers: ClinVar variation 513390 (VCV000513390.1), dbSNP rs1553356202, ClinGen allele CA658795710.

ClinVar aggregate classification (germline): Likely benign (1 of 4 stars; one submission).

Submission:

GeneDx
Classification: Likely benign. Last evaluated: 2017-11-16. Review status: criteria provided, single submitter. Criteria: GeneDx Variant Classification (06012015). Collection method: clinical testing. Allele origin: germline. Affected: yes.
Comment: This variant is considered likely benign or benign based on one or more of the following criteria: it is a conservative change, it occurs at a poorly conserved position in the protein, it is predicted to be benign by multiple in silico algorithms, and/or has population frequency not consistent with disease.